The following is an entry in ClinVar:

ClinVar aggregate classification (germline): Uncertain significance. Review status: criteria provided, multiple submitters, no conflicts (2 of 4 stars). 6 submissions from 6 submitters: Uncertain significance (6). Last evaluated 2025-08-10.

Conditions:
Isolated thoracic aortic aneurysm.
Familial thoracic aortic aneurysm and aortic dissection (TAAD). Also called: Thoracic aortic aneurysms and dissections. Identifiers: Orphanet 91387, MedGen C4707243, MONDO:0019625.
Shprintzen-Goldberg syndrome (SGS). Also called: SHPRINTZEN-GOLDBERG CRANIOSYNOSTOSIS SYNDROME; CRANIOSYNOSTOSIS WITH ARACHNODACTYLY AND ABDOMINAL HERNIAS; Marfanoid disorder with craniosynostosis type 1; Marfanoid craniosynostosis syndrome; Shprintzen-Goldberg marfanoid syndrome. Identifiers: Orphanet 2462, MedGen C1321551, MONDO:0008426, OMIM 182212.

Allele frequency attached by ClinVar (database versions not stated): gnomAD 0.00001; gnomAD exomes 0.00002; ExAC 0.00003; TOPMed 0.00004.
gnomAD v4.1: 33 of 1,613,666 alleles (0.002%); highest among the groups gnomAD compares: East Asian, 0.0067%; no homozygotes.

Submissions (6):

Labcorp Genetics (formerly Invitae), Labcorp
Classification: Uncertain significance for Shprintzen-Goldberg syndrome. Last evaluated: 2025-08-10. Review status: criteria provided, single submitter. Criteria: Invitae Variant Classification Sherloc (09022015). Collection method: clinical testing. Allele origin: germline.
Comment: This sequence change replaces arginine, which is basic and polar, with cysteine, which is neutral and slightly polar, at codon 373 of the SKI protein (p.Arg373Cys). This variant is present in population databases (rs749507746, gnomAD 0.004%). This missense change has been observed in individual(s) with thoracic aortic aneurysm (PMID: 33824467). ClinVar contains an entry for this variant (Variation ID: 409970). Invitae Evidence Modeling of protein sequence and biophysical properties (such as structural, functional, and spatial information, amino acid conservation, physicochemical variation, residue mobility, and thermodynamic stability) indicates that this missense variant is not expected to disrupt SKI protein function with a negative predictive value of 95%. In summary, the available evidence is currently insufficient to determine the role of this variant in disease. Therefore, it has been classified as a Variant of Uncertain Significance.

Ambry Genetics
Classification: Uncertain significance for Familial thoracic aortic aneurysm and aortic dissection. Last evaluated: 2024-10-18. Review status: criteria provided, single submitter. Criteria: Ambry Variant Classification Scheme 2023. Collection method: clinical testing. Allele origin: germline.
Comment: The p.R373C variant (also known as c.1117C>T), located in coding exon 3 of the SKI gene, results from a C to T substitution at nucleotide position 1117. The arginine at codon 373 is replaced by cysteine, an amino acid with highly dissimilar properties. This variant has been reported in an isolated thoracic aortic aneurysm and dissections cohort, but clinical details were limited (Li Y et al. Eur J Hum Genet, 2021 Jul;29:1129-1138). This amino acid position is well conserved in available vertebrate species. In addition, this alteration is predicted to be deleterious by in silico analysis. Based on the available evidence, the clinical significance of this variant remains unclear.

Blueprint Genetics
Classification: Uncertain significance. Last evaluated: 2024-10-14. Review status: criteria provided, single submitter. Criteria: ACMG Guidelines, 2015. Collection method: clinical testing. Allele origin: germline.

GeneDx
Classification: Uncertain significance. Last evaluated: 2023-08-07. Review status: criteria provided, single submitter. Criteria: GeneDx Variant Classification Process June 2021. Collection method: clinical testing. Allele origin: germline. Affected: yes.
Comment: In silico analysis supports that this missense variant has a deleterious effect on protein structure/function; This variant is associated with the following publications: (PMID: 33824467)

CeGaT Center for Human Genetics Tuebingen
Classification: Uncertain significance. Last evaluated: 2021-03-01. Review status: criteria provided, single submitter. Criteria: CeGaT Center For Human Genetics Tuebingen Variant Classification Criteria Version 2. Collection method: clinical testing. Allele origin: germline. Affected: yes. Observed: 1 variant allele.

Department of Vascular Biology, Beijing Anzhen Hospital
Classification: Uncertain significance for Isolated thoracic aortic aneurysm. Last evaluated: 2018-09-01. Review status: criteria provided, single submitter. Criteria: ACMG Guidelines, 2015. Collection method: research. Allele origin: germline. Affected: yes.

Literature cited by the submitters: PubMed 33824467 (cited by Labcorp Genetics (formerly Invitae), Labcorp and Ambry Genetics).

NM_003036.4(SKI):c.1117C>T (p.Arg373Cys)

Gene: SKI (SKI proto-oncogene; plus strand). Cytogenetic location: 1p36.32.
Variant type: single nucleotide variant.
Coding change: c.1117C>T on transcript NM_003036.4 (MANE Select); coding-DNA position 1117, C replaced by T.
Protein change: p.Arg373Cys; replaces arginine 373 with cysteine.
Molecular consequence: missense variant.
Genome position (GRCh38, 1-based): chr1:2,303,306, C>T. VCF-style: chr1-2303306-C-T. GRCh37 (hg19) VCF-style: chr1-2234745-C-T.
Other names: short protein forms R373C.
Identifiers: ClinVar variation 409970 (VCV000409970.53), dbSNP rs749507746, ClinGen allele CA536589.